The following is an entry in ClinVar:

NM_000059.4(BRCA2):c.179A>G (p.Asn60Ser)

Gene: BRCA2 (BRCA2 DNA repair associated; plus strand). Cytogenetic location: 13q13.1.
Variant type: single nucleotide variant.
Coding change: c.179A>G on transcript NM_000059.4 (MANE Select); coding-DNA position 179, A replaced by G.
Protein change: p.Asn60Ser; replaces asparagine 60 with serine.
Molecular consequence: missense variant.
Genome position (GRCh38, 1-based): chr13:32,319,188, A>G. VCF-style: chr13-32319188-A-G. GRCh37 (hg19) VCF-style: chr13-32893325-A-G.
Other names: p.N60S:AAC>AGC; short protein forms N60S.
Identifiers: ClinVar variation 37758 (VCV000037758.48), dbSNP rs80358463, ClinGen allele CA013307.

ClinVar aggregate classification (germline): Conflicting classifications of pathogenicity. Review status: criteria provided, conflicting classifications (1 of 4 stars). 18 submissions from 17 submitters: Uncertain significance (4); Benign (2); Likely benign (9). 3 of the submissions do not count toward it. Last evaluated 2026-08-01.

Conditions:
BRCA2-related disorder. Also called: BRCA2-related condition; BRCA2-related disorders. Identifiers: MedGen CN239275.
Hereditary cancer-predisposing syndrome. Also called: Neoplastic Syndromes, Hereditary; Hereditary neoplastic syndrome; Hereditary Cancer Syndrome; Tumor predisposition. Identifiers: Orphanet 140162, MedGen C0027672, MeSH D009386, MONDO:0015356.
Hereditary breast ovarian cancer syndrome. Also called: Hereditary breast and ovarian cancer syndrome (HBOC); Breast and ovarian cancer; BRCA1- and BRCA2-Associated Hereditary Breast and Ovarian Cancer; Hereditary breast and ovarian cancer syndrome; Hereditary breast and ovarian cancer; Hereditary breast and/or ovarian cancer syndrome. Identifiers: Orphanet 145, MedGen C0677776, MeSH D061325, MONDO:0003582. Disease mechanism: loss of function.
Fanconi anemia complementation group D1. Also called: BRCA2-Related Fanconi Anemia. Identifiers: Orphanet 319462, MedGen C1838457, MONDO:0011584, OMIM 605724.
Breast-ovarian cancer, familial, susceptibility to, 2 (BROVCA2). Also called: BRCA2 Hereditary Breast and Ovarian Cancer. Identifiers: Orphanet 145, MedGen C2675520, MONDO:0012933, OMIM 612555. Disease mechanism: loss of function.
Familial cancer of breast. Also called: Hereditary breast cancer; hereditary breast carcinoma; BREAST CANCER, FAMILIAL. Identifiers: Orphanet 227535, MedGen C0346153, MONDO:0016419, OMIM 114480. Disease mechanism: loss of function.

Allele frequency attached by ClinVar (database versions not stated): TOPMed 0.00002; gnomAD exomes 0.00006 and 0.00002; ExAC 0.00002; gnomAD 0.00002.
gnomAD v4.1: 83 of 1,613,988 alleles (0.0051%); highest among the groups gnomAD compares: Non-Finnish European, 0.0068%; no homozygotes.

Submissions (18):

CeGaT Center for Human Genetics Tuebingen
Classification: Likely benign. Last evaluated: 2026-08-01. Review status: criteria provided, single submitter. Criteria: CeGaT Center For Human Genetics Tuebingen Variant Classification Criteria Version 2. Collection method: clinical testing. Allele origin: germline. Affected: yes. Observed: 1 variant allele.
Comment: BRCA2: BP1, BP4

PreventionGenetics, part of Exact Sciences
Classification: Likely benign for BRCA2-related condition. Last evaluated: 2026-04-13. Review status: criteria provided, single submitter. Criteria: ACMG Guidelines, 2015. Collection method: clinical testing. Allele origin: germline.
Comment: This variant is classified as likely benign based on ACMG/AMP sequence variant interpretation guidelines (Richards et al. 2015 PMID: 25741868, with internal and published modifications).

Labcorp Genetics (formerly Invitae), Labcorp
Classification: Likely benign for Hereditary breast ovarian cancer syndrome. Last evaluated: 2026-01-13. Review status: criteria provided, single submitter. Criteria: Invitae Variant Classification Sherloc (09022015). Collection method: clinical testing. Allele origin: germline.

Center for Genomic Medicine, Rigshospitalet, Copenhagen University Hospital
Classification: Likely benign. Last evaluated: 2025-12-29. Review status: criteria provided, single submitter. Criteria: ACMG Guidelines, 2015. Collection method: clinical testing. Allele origin: germline.
Comment: Classification criteria: BP1_strong, BS1_supporting

Quest Diagnostics Nichols Institute San Juan Capistrano
Classification: Likely benign. Last evaluated: 2025-09-17. Review status: criteria provided, single submitter. Criteria: Quest Diagnostics criteria. Collection method: clinical testing. Allele origin: unknown.

Institute for Biomarker Research, Medical Diagnostic Laboratories, L.L.C.
Classification: Uncertain significance for Hereditary breast ovarian cancer syndrome. Last evaluated: 2025-04-03. Review status: criteria provided, single submitter. Criteria: ACMG Guidelines, 2015. Collection method: clinical testing. Allele origin: germline.
Comment: The missense variant NM_000059.4(BRCA2):c.179A>G (p.Asn60Ser) has not been reported previously as a pathogenic variant, to our knowledge. There is a small physicochemical difference between asparagine and serine, which is not likely to impact secondary protein structure as these residues share similar properties. The nucleotide c.179 in BRCA2 is not conserved according to a GERP++ and PhyloP analysis of 100 vertebrates. For these reasons, this variant has been classified as Uncertain Significance.

MGZ Medical Genetics Center
Classification: Likely benign for Familial cancer of breast. Last evaluated: 2024-02-09. Review status: criteria provided, single submitter. Criteria: CSpec BRCA1/2ACMG Rules Specifications V1.1.0. Collection method: clinical testing. Allele origin: germline. Affected: yes.
Comment: ACMG codes applied following ENIGMA VCEP rules: BP1_STR

German Consortium for Hereditary Breast and Ovarian Cancer, University Hospital Cologne
Classification: Likely benign for Hereditary breast ovarian cancer syndrome. Last evaluated: 2024-01-05. Review status: criteria provided, single submitter. Criteria: ClinGen BRCA2 V1.0.0. Collection method: curation. Allele origin: germline.
Comment: . According to the ClinGen ENIGMA BRCA2 v1.0.0 criteria we chose this criterium: BP1 (strong benign): BP1_Strong for silent substitution, missense or in-frame insertion, deletion or delins variants outside a (potentially) clinically important functional domain AND no splicing predicted (spliceAI: BRCA2: 0.0)

ARUP Laboratories, Molecular Genetics and Genomics, ARUP Laboratories
Classification: Uncertain significance. Last evaluated: 2020-03-10. Review status: criteria provided, single submitter. Criteria: ARUP Molecular Germline Variant Investigation Process. Collection method: clinical testing. Allele origin: germline.
Comment: The BRCA2 c.179A>G; p.Asn60Ser variant (rs80358463) is reported in the literature in large cohorts of individuals affected with breast cancer, but without clear association with disease (Borg 2010, Capanu 2011, Claes 2004, Muller 2011). This variant is also reported in ClinVar (Variation ID: 37758), but is only observed on one allele in the Genome Aggregation Database, indicating it is not a common polymorphism. The asparagine at codon 60 is moderately conserved, and computational analyses (SIFT: damaging, PolyPhen-2: benign) predict conflicting effects of this variant on protein structure/function. Due to limited information, the clinical significance of the p.Asn60Ser variant is uncertain at this time. References: Borg A et al. Characterization of BRCA1 and BRCA2 deleterious mutations and variants of unknown clinical significance in unilateral and bilateral breast cancer: the WECARE study. Hum Mutat. 2010 Mar;31(3):E1200-40. Capanu M et al. Assessment of rare BRCA1 and BRCA2 variants of unknown significance using hierarchical modeling. Genet Epidemiol. 2011 Jul;35(5):389-97. Claes K et al. BRCA1 and BRCA2 germline mutation spectrum and frequencies in Belgian breast/ovarian cancer families. Br J Cancer. 2004 Mar 22;90(6):1244-51. Muller D et al. An entire exon 3 germ-line rearrangement in the BRCA2 gene: pathogenic relevance of exon 3 deletion in breast cancer predisposition. BMC Med Genet. 2011 Sep 22;12:121.

Women's Health and Genetics/Laboratory Corporation of America, LabCorp
Classification: Benign. Last evaluated: 2019-12-26. Review status: criteria provided, single submitter. Criteria: LabCorp Variant Classification Summary - May 2015. Collection method: clinical testing. Allele origin: germline.
Comment: Variant summary: BRCA2 c.179A>G (p.Asn60Ser) results in a conservative amino acid change in the encoded protein sequence. Four of five in-silico tools predict a benign effect of the variant on protein function. The variant allele was found at a frequency of 2.4e-05 in 251386 control chromosomes. The available data on variant occurrences in the general population are insufficient to allow any conclusion about variant significance. c.179A>G has been reported in the literature in sequencing studies of individuals affected with Breast Cancer (example, Muller_2011, Borg_2010, Capanu_2011, Claes_2004, Baeyens_2004). These report(s) do not provide unequivocal conclusions about association of the variant with Hereditary Breast and Ovarian Cancer. Furthermore, at-least two reports of its occurrence among women who are cancer free and older than 70 has been observed (FLOSSIES database). At-least three co-occurrences with other pathogenic variant(s) have been reported in external databases as well as our laboratory (BRCA1 c.3949_3976dup, p.His1326LeufsX13 in UMD database; BRCA1 c.2767_2770delGTTA, p.Val923_Asn924?fs in BIC database; BRCA1 c.181T>C, p.Cys61Gly at our laboratory), providing supporting evidence for a benign role. To our knowledge, no experimental evidence demonstrating an impact on protein function has been reported. Five clinical diagnostic laboratories have submitted clinical-significance assessments for this variant to ClinVar after 2014 without evidence for independent evaluation. Four out of these five submitters classified the variant as benign (n=1)/likely benign (n=4), while one has classified it as a VUS. Most laboratories utilize overlapping publications utilized in the context of this evaluation. Due to its inherent rarity, our laboratory has tracked this variant for 6 years reporting a classification of VUS-possibly benign. No strong evidence supporting a pathogenic outcome has been reported in this time frame and increasingly, all evidences seem to point towards a benign outcome. Based on the evidence outlined above, the variant was re-classified as benign.

GeneDx
Classification: Likely benign. Last evaluated: 2019-01-03. Review status: criteria provided, single submitter. Criteria: GeneDx Variant Classification Process June 2021. Collection method: clinical testing. Allele origin: germline. Affected: yes.
Comment: This variant is associated with the following publications: (PMID: 15799620, 21939546, 15026808, 20104584)

Ambry Genetics
Classification: Likely benign for Hereditary cancer-predisposing syndrome. Last evaluated: 2018-11-06. Review status: criteria provided, single submitter. Criteria: Ambry Variant Classification Scheme 2023. Collection method: clinical testing. Allele origin: germline.

Illumina Laboratory Services, Illumina
Classification: Uncertain significance for Breast-ovarian cancer, familial, susceptibility to, 2. Last evaluated: 2018-01-12. Review status: criteria provided, single submitter. Criteria: ICSL Variant Classification Criteria 13 December 2019. Collection method: clinical testing. Allele origin: germline.

Illumina Laboratory Services, Illumina
Classification: Uncertain significance for Fanconi anemia complementation group D1. Last evaluated: 2018-01-12. Review status: criteria provided, single submitter. Criteria: ICSL Variant Classification Criteria 13 December 2019. Collection method: clinical testing. Allele origin: germline.

Color Diagnostics, LLC DBA Color Health
Classification: Benign for Hereditary cancer-predisposing syndrome. Last evaluated: 2016-04-25. Review status: criteria provided, single submitter. Criteria: ACMG Guidelines, 2015. Collection method: clinical testing. Allele origin: germline.

Counsyl
Classification: Uncertain significance for Breast-ovarian cancer, familial, susceptibility to, 2. Last evaluated: 2015-12-13. Review status: no assertion criteria provided. Collection method: clinical testing. Allele origin: unknown. Not counted in ClinVar's aggregate classification.

Sharing Clinical Reports Project (SCRP)
Classification: Benign for Breast-ovarian cancer, familial 2. Last evaluated: 2009-01-22. Review status: no assertion criteria provided. Collection method: clinical testing. Allele origin: germline. Not counted in ClinVar's aggregate classification.

Breast Cancer Information Core (BIC) (BRCA2)
Classification: Uncertain significance for Breast-ovarian cancer, familial 2. Last evaluated: 1999-04-12. Review status: no assertion criteria provided. Collection method: clinical testing. Allele origin: germline. Affected: yes. Observed: 4 variant alleles. Not counted in ClinVar's aggregate classification.

Literature cited by the submitters: PubMed 23096355 (cited by Center for Genomic Medicine, Rigshospitalet, Copenhagen University Hospital); PubMed 21939546 (cited by 4 submitters); PubMed 35979650 (cited by Center for Genomic Medicine, Rigshospitalet, Copenhagen University Hospital and Quest Diagnostics Nichols Institute San Juan Capistrano); PubMed 18403564 (cited by Quest Diagnostics Nichols Institute San Juan Capistrano and Women's Health and Genetics/Laboratory Corporation of America, LabCorp); PubMed 21520273 (cited by Quest Diagnostics Nichols Institute San Juan Capistrano and Women's Health and Genetics/Laboratory Corporation of America, LabCorp); PubMed 26757435 (cited by Quest Diagnostics Nichols Institute San Juan Capistrano); PubMed 25348012 (cited by Quest Diagnostics Nichols Institute San Juan Capistrano and Counsyl); PubMed 33471991 (cited by Quest Diagnostics Nichols Institute San Juan Capistrano); PubMed 36315513 (cited by Quest Diagnostics Nichols Institute San Juan Capistrano); PubMed 20104584 (cited by 3 submitters); PubMed 15026808 (cited by 4 submitters); PubMed 15799620 (cited by Women's Health and Genetics/Laboratory Corporation of America, LabCorp).